The following is an entry in ClinVar:

ClinVar aggregate classification (germline): Likely benign (1 of 4 stars; one submission).

Submission:

CeGaT Center for Human Genetics Tuebingen
Classification: Likely benign. Last evaluated: 2024-12-01. Review status: criteria provided, single submitter. Criteria: CeGaT Center For Human Genetics Tuebingen Variant Classification Criteria Version 2. Collection method: clinical testing. Allele origin: germline. Affected: yes. Observed: 1 variant allele.
Comment: ZGPAT: PM2:Supporting, BP4, BP7

NM_181485.3(ZGPAT):c.872-17C>G

Gene: ZGPAT (zinc finger CCCH-type and G-patch domain containing; plus strand). Cytogenetic location: 20q13.33.
Variant type: single nucleotide variant.
Coding change: c.872-17C>G on transcript NM_181485.3 (MANE Select); 17 bases into the intron before coding-DNA position 872, C replaced by G.
Molecular consequence: intron variant. On other transcripts: synonymous variant (1).
Genome position (GRCh38, 1-based): chr20:63,734,688, C>G. VCF-style: chr20-63734688-C-G. GRCh37 (hg19) VCF-style: chr20-62366040-C-G.
Other names: c.915C>G, p.Leu305= (NM_032527.5); c.872-17C>G (NM_001083113.2, NM_001195653.2); c.845-17C>G (NM_001195654.2).
Identifiers: ClinVar variation 3771655 (VCV003771655.13).